The following is an entry in ClinVar:

NM_016938.5(EFEMP2):c.290dup (p.Pro98fs)

Gene: EFEMP2 (EGF-like fibulin extracellular matrix protein 2; minus strand). Cytogenetic location: 11q13.1.
Variant type: Duplication.
Coding change: c.290dup on transcript NM_016938.5 (MANE Select); coding-DNA position 290, one base duplicated (C; older notation c.290dupC).
Protein change: p.Pro98fs; shifts the reading frame from proline 98.
Molecular consequence: frameshift variant. On other transcripts: non-coding transcript variant (1).
Genome position (GRCh38, 1-based): chr11:65,871,234, G duplicated on the plus strand (C on the coding strand, the reverse complement: EFEMP2 is on the minus strand); the first of 5 consecutive G bases (chr11:65,871,234-65,871,238); duplicating any one gives the same sequence. VCF-style (leftmost placement, unchanged base first): chr11-65871233-C-CG. GRCh37 (hg19) VCF-style: chr11-65638704-C-CG.
Other names: short protein forms P98fs.
Identifiers: ClinVar variation 2877716 (VCV002877716.3), dbSNP rs1565274421, ClinGen allele CA2574880474.

ClinVar aggregate classification (germline): Pathogenic (1 of 4 stars; one submission).

Conditions:
Cutis laxa, autosomal recessive, type 1B (ARCL1B). Also called: EFEMP2-Related Cutis Laxa; CUTIS LAXA, AUTOSOMAL RECESSIVE, TYPE IB. Identifiers: Orphanet 90349, MedGen C3280798, MONDO:0013754, OMIM 614437. Disease mechanism: loss of function.

Submission:

Labcorp Genetics (formerly Invitae), Labcorp
Classification: Pathogenic for Cutis laxa, autosomal recessive, type 1B. Last evaluated: 2023-06-28. Review status: criteria provided, single submitter. Criteria: Invitae Variant Classification Sherloc (09022015). Collection method: clinical testing. Allele origin: germline.
Comment: For these reasons, this variant has been classified as Pathogenic. This variant has not been reported in the literature in individuals affected with EFEMP2-related conditions. This variant is not present in population databases (gnomAD no frequency). This sequence change creates a premature translational stop signal (p.Pro98Alafs*17) in the EFEMP2 gene. It is expected to result in an absent or disrupted protein product. Loss-of-function variants in EFEMP2 are known to be pathogenic (PMID: 17937443).

Literature cited by the submitters: PubMed 17937443.